The following is an entry in ClinVar:

ClinVar aggregate classification (germline): Uncertain significance (1 of 4 stars; one submission).

Conditions:
Inborn genetic diseases. Identifiers: MedGen C0950123, MeSH D030342.

Allele frequency attached by ClinVar (database versions not stated): gnomAD 0.00001; TOPMed 0.00001; ExAC 0.00002; gnomAD exomes 0.00002.
gnomAD v4.1: 10 of 1,613,942 alleles (0.00062%); highest among the groups gnomAD compares: East Asian, 0.016%; no homozygotes.

Submission:

Ambry Genetics
Classification: Uncertain significance for Inborn genetic diseases. Last evaluated: 2017-02-01. Review status: criteria provided, single submitter. Criteria: Ambry Variant Classification Scheme 2023. Collection method: clinical testing. Allele origin: germline.
Comment: The p.C1940R variant (also known as c.5818T>C), located in coding exon 26 of the SCN2A gene, results from a T to C substitution at nucleotide position 5818. The cysteine at codon 1940 is replaced by arginine, an amino acid with highly dissimilar properties. This amino acid position is not conserved on species alignment. In addition, this alteration is predicted to be tolerated by in silico analysis. Since supporting evidence is limited at this time, the clinical significance of this variant remains unclear.

NM_001040142.2(SCN2A):c.5818T>C (p.Cys1940Arg)

Gene: SCN2A (sodium voltage-gated channel alpha subunit 2; plus strand). Cytogenetic location: 2q24.3.
Variant type: single nucleotide variant.
Coding change: c.5818T>C on transcript NM_001040142.2 (MANE Select); coding-DNA position 5818, T replaced by C.
Protein change: p.Cys1940Arg; replaces cysteine 1940 with arginine.
Molecular consequence: missense variant.
Genome position (GRCh38, 1-based): chr2:165,389,624, T>C. VCF-style: chr2-165389624-T-C. GRCh37 (hg19) VCF-style: chr2-166246134-T-C.
Other names: c.5818T>C, p.Cys1940Arg (NM_001040143.2, NM_001371246.1, NM_001371247.1 and 1 more transcripts); short protein forms C1940R.
Identifiers: ClinVar variation 590029 (VCV000590029.5), dbSNP rs747846577, ClinGen allele CA1940432.